The following is an entry in ClinVar:

NM_033056.4(PCDH15):c.5711A>G (p.Glu1904Gly)

Gene: PCDH15 (protocadherin related 15; minus strand). Cytogenetic location: 10q21.1.
Variant type: single nucleotide variant.
Coding change: c.5711A>G on transcript NM_033056.4 (MANE Plus Clinical); coding-DNA position 5711, A replaced by G.
Protein change: p.Glu1904Gly; replaces glutamic acid 1904 with glycine.
Molecular consequence: missense variant. On other transcripts: intron variant (8).
Genome position (GRCh38, 1-based): chr10:53,822,015, T>C on the plus strand (A>G on the coding strand, the complement: PCDH15 is on the minus strand). VCF-style: chr10-53822015-T-C. GRCh37 (hg19) VCF-style: chr10-55581775-T-C.
Other names: c.5711A>G (NM_033056.3); c.5732A>G, p.Glu1911Gly (NM_001142763.2); c.5717A>G, p.Glu1906Gly (NM_001142764.2); c.5504A>G, p.Glu1835Gly (NM_001142765.2); c.5702A>G, p.Glu1901Gly (NM_001142766.2); c.5591A>G, p.Glu1864Gly (NM_001142767.2); c.5651A>G, p.Glu1884Gly (NM_001142768.2); c.5642A>G, p.Glu1881Gly (NM_001142773.2); and 8 more; short protein forms E1882G, E1835G, E1881G, E1884G, E1901G, E1911G, E1864G, E1904G.
Identifiers: ClinVar variation 1045429 (VCV001045429.8), dbSNP rs2076301014, ClinGen allele CA376524384.

ClinVar aggregate classification (germline): Uncertain significance. Review status: criteria provided, multiple submitters, no conflicts (2 of 4 stars). 3 submissions from 3 submitters: Uncertain significance (2). 1 of the submissions does not count toward it. Last evaluated 2024-01-17.

Conditions:
Usher syndrome type 1F (USH1F). Also called: USHER SYNDROME, TYPE IF. Identifiers: Orphanet 231169, Orphanet 886, MedGen C1865885, MONDO:0011186, OMIM 602083.

Allele frequency attached by ClinVar (database versions not stated): gnomAD exomes below 0.00001; TOPMed 0.00001; gnomAD 0.00002.
gnomAD v4.1: 4 of 1,613,928 alleles (0.00025%); highest among the groups gnomAD compares: African/African-American, 0.0053%; no homozygotes.

Submissions (3):

GeneDx
Classification: Uncertain significance. Last evaluated: 2024-01-17. Review status: criteria provided, single submitter. Criteria: GeneDx Variant Classification Process June 2021. Collection method: clinical testing. Allele origin: germline. Affected: yes.
Comment: Not observed at significant frequency in large population cohorts (gnomAD); In silico analysis supports that this missense variant does not alter protein structure/function; Has not been previously published as pathogenic or benign to our knowledge

Labcorp Genetics (formerly Invitae), Labcorp
Classification: Uncertain significance. Last evaluated: 2022-03-18. Review status: criteria provided, single submitter. Criteria: Invitae Variant Classification Sherloc (09022015). Collection method: clinical testing. Allele origin: germline.
Comment: This sequence change replaces glutamic acid, which is acidic and polar, with glycine, which is neutral and non-polar, at codon 1904 of the PCDH15 protein (p.Glu1904Gly). This variant is not present in population databases (gnomAD no frequency). This variant has not been reported in the literature in individuals affected with PCDH15-related conditions. ClinVar contains an entry for this variant (Variation ID: 1045429). Algorithms developed to predict the effect of missense changes on protein structure and function are either unavailable or do not agree on the potential impact of this missense change (SIFT: "Tolerated"; PolyPhen-2: "Not Available"; Align-GVGD: "Class C0"). In summary, the available evidence is currently insufficient to determine the role of this variant in disease. Therefore, it has been classified as a Variant of Uncertain Significance.

Natera, Inc.
Classification: Uncertain significance for Usher syndrome type 1F. Last evaluated: 2020-05-20. Review status: no assertion criteria provided. Collection method: clinical testing. Allele origin: germline. Not counted in ClinVar's aggregate classification.